The following is an entry in ClinVar:

NM_015046.7(SETX):c.6313C>T (p.Arg2105Trp)

Gene: SETX (senataxin; minus strand). Cytogenetic location: 9q34.13.
Variant type: single nucleotide variant.
Coding change: c.6313C>T on transcript NM_015046.7 (MANE Select); coding-DNA position 6313, C replaced by T.
Protein change: p.Arg2105Trp; replaces arginine 2105 with tryptophan.
Molecular consequence: missense variant.
Genome position (GRCh38, 1-based): chr9:132,288,247, G>A on the plus strand (C>T on the coding strand, the complement: SETX is on the minus strand). VCF-style: chr9-132288247-G-A. GRCh37 (hg19) VCF-style: chr9-135163634-G-A.
Other names: p.Arg2105Trp; c.6313C>T, p.Arg2105Trp (NM_001351527.2, NM_001351528.2); short protein forms R2105W.
Identifiers: ClinVar variation 365349 (VCV000365349.40), dbSNP rs142843968, ClinGen allele CA5296776.

ClinVar aggregate classification (germline): Conflicting classifications of pathogenicity. Review status: criteria provided, conflicting classifications (1 of 4 stars). 8 submissions from 7 submitters: Uncertain significance (7); Benign (1). Last evaluated 2024-06-12.

Conditions:
Inborn genetic diseases. Identifiers: MedGen C0950123, MeSH D030342.
Spinocerebellar ataxia, autosomal recessive, with axonal neuropathy 2 (SCAN2). Also called: Ataxia-ocular apraxia-2; Ataxia with Oculomotor Apraxia Type 2; Ataxia with Oculomotor Apraxia; ATAXIA-OCULOMOTOR APRAXIA 2. Identifiers: Orphanet 64753, MedGen C1853761, MONDO:0018996, OMIM 606002.
Amyotrophic lateral sclerosis type 4 (ALS4). Also called: NEURONOPATHY, DISTAL HEREDITARY MOTOR, WITH PYRAMIDAL FEATURES; AMYOTROPHIC LATERAL SCLEROSIS 4, JUVENILE. Identifiers: Orphanet 357043, MedGen C1865409, MONDO:0011223, OMIM 602433.

Allele frequency attached by ClinVar (database versions not stated): ExAC 0.00001; gnomAD 0.00001; gnomAD exomes 0.00002 and 0.00003; TOPMed 0.00002; ESP Exome Variant Server 0.00008.
gnomAD v4.1: 36 of 1,613,614 alleles (0.0022%); highest among the groups gnomAD compares: African/African-American, 0.0027%; no homozygotes.

Submissions (8):

Mayo Clinic Laboratories, Mayo Clinic
Classification: Uncertain significance. Last evaluated: 2024-06-12. Review status: criteria provided, single submitter. Criteria: ACMG Guidelines, 2015. Collection method: clinical testing. Allele origin: germline. Observed: 1 variant allele.

CeGaT Center for Human Genetics Tuebingen
Classification: Uncertain significance. Last evaluated: 2024-06-01. Review status: criteria provided, single submitter. Criteria: CeGaT Center For Human Genetics Tuebingen Variant Classification Criteria Version 2. Collection method: clinical testing. Allele origin: germline. Affected: yes. Observed: 2 variant alleles.
Comment: SETX: PM2

Labcorp Genetics (formerly Invitae), Labcorp
Classification: Benign for Amyotrophic lateral sclerosis type 4; Spinocerebellar ataxia, autosomal recessive, with axonal neuropathy 2. Last evaluated: 2023-11-01. Review status: criteria provided, single submitter. Criteria: Invitae Variant Classification Sherloc (09022015). Collection method: clinical testing. Allele origin: germline.

Ambry Genetics
Classification: Uncertain significance for Inborn genetic diseases. Last evaluated: 2023-05-08. Review status: criteria provided, single submitter. Criteria: Ambry Variant Classification Scheme 2023. Collection method: clinical testing. Allele origin: germline.

GeneDx
Classification: Uncertain significance. Last evaluated: 2023-02-24. Review status: criteria provided, single submitter. Criteria: GeneDx Variant Classification Process June 2021. Collection method: clinical testing. Allele origin: germline. Affected: yes.
Comment: In silico analysis supports that this missense variant has a deleterious effect on protein structure/function; Has not been previously published as pathogenic or benign to our knowledge; This variant is associated with the following publications: (PMID: 28539123)

Athena Diagnostics
Classification: Uncertain significance. Last evaluated: 2020-12-08. Review status: criteria provided, single submitter. Criteria: Athena Diagnostics criteria. Collection method: clinical testing. Allele origin: unknown.

Illumina Laboratory Services, Illumina
Classification: Uncertain significance for Spinocerebellar ataxia, autosomal recessive, with axonal neuropathy 2. Last evaluated: 2018-01-12. Review status: criteria provided, single submitter. Criteria: ICSL Variant Classification Criteria 13 December 2019. Collection method: clinical testing. Allele origin: germline.

Illumina Laboratory Services, Illumina
Classification: Uncertain significance for Amyotrophic lateral sclerosis type 4. Last evaluated: 2018-01-12. Review status: criteria provided, single submitter. Criteria: ICSL Variant Classification Criteria 13 December 2019. Collection method: clinical testing. Allele origin: germline.